The following is an entry in ClinVar:

ClinVar aggregate classification (germline): Uncertain significance (1 of 4 stars; one submission).

Submission:

Labcorp Genetics (formerly Invitae), Labcorp
Classification: Uncertain significance. Last evaluated: 2025-03-17. Review status: criteria provided, single submitter. Criteria: Invitae Variant Classification Sherloc (09022015). Collection method: clinical testing. Allele origin: germline.
Comment: This sequence change falls in intron 34 of the COL2A1 gene. It does not directly change the encoded amino acid sequence of the COL2A1 protein. It affects a nucleotide within the consensus splice site. This variant is not present in population databases (gnomAD no frequency). This variant has not been reported in the literature in individuals affected with COL2A1-related conditions. ClinVar contains an entry for this variant (Variation ID: 2765642). Variants that disrupt the consensus splice site are a relatively common cause of aberrant splicing (PMID: 17576681, 9536098). Algorithms developed to predict the effect of sequence changes on RNA splicing suggest that this variant may disrupt the consensus splice site. In summary, the available evidence is currently insufficient to determine the role of this variant in disease. Therefore, it has been classified as a Variant of Uncertain Significance.

Literature cited by the submitters: PubMed 17576681; PubMed 9536098.

NM_001844.5(COL2A1):c.2301+2dup

Gene: COL2A1 (collagen type II alpha 1 chain; minus strand). Cytogenetic location: 12q13.11.
Variant type: Duplication.
Coding change: c.2301+2dup on transcript NM_001844.5 (MANE Select); the canonical splice donor site of the intron after coding-DNA position 2301, one base duplicated (T; older notation c.2301+2dupT).
Molecular consequence: splice donor variant.
Genome position (GRCh38, 1-based): chr12:47,982,500, A duplicated on the plus strand (T on the coding strand, the reverse complement: COL2A1 is on the minus strand). VCF-style (leftmost placement, unchanged base first): chr12-47982499-T-TA. GRCh37 (hg19) VCF-style: chr12-48376282-T-TA.
Other names: c.2094+2dup (NM_033150.3).
Identifiers: ClinVar variation 2765642 (VCV002765642.3), dbSNP rs2540133879, ClinGen allele CA2697559211.
Genomic context (GRCh38, chr12:47,982,499, plus strand): 5'-CACAAGGGGCAGGAATGTGGCAAAGCCACAGCTTTGGTGAGAGGCTGTAACCTCAGTACT[T>TA]ACCCTGTCGCCTTTGGGCCCAGCGATACCAGCTGCTCCCCTCTCGCCAGGCATTCCCTGA-3'